The following is an entry in ClinVar:

ClinVar aggregate classification (germline): Likely pathogenic (1 of 4 stars; one submission).

Conditions:
Primary ciliary dyskinesia 3. Identifiers: Orphanet 244, MedGen C1837618, MONDO:0012085, OMIM 608644.

Submission:

Myriad Genetics, Inc.
Classification: Likely pathogenic for Primary ciliary dyskinesia 3. Last evaluated: 2022-03-03. Review status: criteria provided, single submitter. Criteria: Myriad Women's Health Autosomal Recessive and X-Linked Classification Criteria (2021). Collection method: clinical testing. Allele origin: unknown.
Comment: NM_001369.2(DNAH5):c.12069delA(K4023Nfs*8) is expected to be pathogenic in the context of DNAH5-related primary ciliary dyskinesia. This variant is predicted to lead to an abnormal or absent protein product due to the creation of a premature termination codon in DNAH5, a gene where loss-of-function variants are known to be pathogenic. Please note: this variant was assessed in the context of healthy population screening.

NM_001369.3(DNAH5):c.12069del (p.Lys4023fs)

Gene: DNAH5 (dynein axonemal heavy chain 5; minus strand). Cytogenetic location: 5p15.2.
Variant type: Deletion.
Coding change: c.12069del on transcript NM_001369.3 (MANE Select); coding-DNA position 12069, one base deleted (A; older notation c.12069delA).
Protein change: p.Lys4023fs; shifts the reading frame from lysine 4023.
Molecular consequence: frameshift variant.
Genome position (GRCh38, 1-based): chr5:13,721,210, T deleted on the plus strand (A on the coding strand, the reverse complement: DNAH5 is on the minus strand); the first of 5 consecutive T bases (chr5:13,721,210-13,721,214); deleting any one gives the same sequence. VCF-style (leftmost placement, unchanged base first): chr5-13721209-AT-A. GRCh37 (hg19) VCF-style: chr5-13721318-AT-A.
Other names: short protein forms K4023fs.
Identifiers: ClinVar variation 1724975 (VCV001724975.2), dbSNP rs2546525914, ClinGen allele CA2580072019.